The following is an entry in ClinVar:

NM_000548.5(TSC2):c.1984C>A (p.Pro662Thr)

Gene: TSC2 (TSC complex subunit 2; plus strand). Cytogenetic location: 16p13.3.
Variant type: single nucleotide variant.
Coding change: c.1984C>A on transcript NM_000548.5 (MANE Select); coding-DNA position 1984, C replaced by A.
Protein change: p.Pro662Thr; replaces proline 662 with threonine.
Molecular consequence: missense variant. On other transcripts: non-coding transcript variant (5).
Genome position (GRCh38, 1-based): chr16:2,071,821, C>A. VCF-style: chr16-2071821-C-A. GRCh37 (hg19) VCF-style: chr16-2121822-C-A.
Other names: c.1984C>A, p.Pro662Thr (NM_001077183.3, NM_001114382.3, NM_001363528.2 and 6 more transcripts); c.1873C>A, p.Pro625Thr (NM_001318827.2, NM_001406670.1, NM_001406678.1); c.1837C>A, p.Pro613Thr (NM_001318829.2, NM_001406675.1, NM_001406676.1 and 1 more transcripts); c.1384C>A, p.Pro462Thr (NM_001318831.2, NM_001406680.1, NM_001406682.1 and 6 more transcripts); c.2017C>A, p.Pro673Thr (NM_001318832.2); c.2074C>A, p.Pro692Thr (NM_001406667.1, NM_001406668.1); c.1972C>A, p.Pro658Thr (NM_001406671.1, NM_001406673.1); c.1927C>A, p.Pro643Thr (NM_001406677.1); and 3 more; short protein forms P128T, P214T, P462T, P508T, P613T, P625T, P643T, P658T.
Identifiers: ClinVar variation 3232098 (VCV003232098.1), dbSNP rs1309151152, ClinGen allele CA394274384.
Genomic context (GRCh38, chr16:2,071,821, plus strand): 5'-AGCTGCTTCTCTTGCTTCTGCAGGGAGCCAGAGAGAGGCTCTGAGAAGAAGACCAGCGGC[C>A]CCCTTTCTCCTCCCACAGGGCCTCCTGGCCCGGCGCCTGCAGGCCCCGCCGTGCGGCTGG-3'
Protein context (NP_000539.2, residues 652-672): ERGSEKKTSG[Pro662Thr]LSPPTGPPGP

ClinVar aggregate classification (germline): Uncertain significance (1 of 4 stars; one submission).

Conditions:
Hereditary cancer-predisposing syndrome. Also called: Neoplastic Syndromes, Hereditary; Tumor predisposition; Hereditary neoplastic syndrome; Hereditary Cancer Syndrome. Identifiers: Orphanet 140162, MedGen C0027672, MeSH D009386, MONDO:0015356.

Submission:

Ambry Genetics
Classification: Uncertain significance for Hereditary cancer-predisposing syndrome. Last evaluated: 2024-03-10. Review status: criteria provided, single submitter. Criteria: Ambry Variant Classification Scheme 2023. Collection method: clinical testing. Allele origin: germline.
Comment: The p.P662T variant (also known as c.1984C>A), located in coding exon 18 of the TSC2 gene, results from a C to A substitution at nucleotide position 1984. The proline at codon 662 is replaced by threonine, an amino acid with highly similar properties. This amino acid position is conserved. In addition, this alteration is predicted to be tolerated by in silico analysis. Based on the available evidence, the clinical significance of this alteration remains unclear.